The following is an entry in ClinVar:

ClinVar aggregate classification (germline): Uncertain significance (1 of 4 stars; one submission).

Submission:

Women's Health and Genetics/Laboratory Corporation of America, LabCorp
Classification: Uncertain significance. Last evaluated: 2022-11-12. Review status: criteria provided, single submitter. Criteria: LabCorp Variant Classification Summary - May 2015. Collection method: clinical testing. Allele origin: germline.
Comment: Variant summary: ZIC1 c.314G>C (p.Arg105Pro) results in a non-conservative amino acid change in the encoded protein sequence. Three of five in-silico tools predict a damaging effect of the variant on protein function. The variant was absent in 230118 control chromosomes (gnomAD). The available data on variant occurrences in the general population are insufficient to allow any conclusion about variant significance. To our knowledge, no occurrence of c.314G>C in individuals affected with Structural Brain Anomalies With Impaired Intellectual Development And Craniosynostosis and no experimental evidence demonstrating its impact on protein function have been reported. No clinical diagnostic laboratories have submitted clinical-significance assessments for this variant to ClinVar after 2014. Based on the evidence outlined above, the variant was classified as uncertain significance.

NM_003412.4(ZIC1):c.314G>C (p.Arg105Pro)

Gene: ZIC1 (Zic family member 1; plus strand). Cytogenetic location: 3q24.
Variant type: single nucleotide variant.
Coding change: c.314G>C on transcript NM_003412.4 (MANE Select); coding-DNA position 314, G replaced by C.
Protein change: p.Arg105Pro; replaces arginine 105 with proline.
Molecular consequence: missense variant.
Genome position (GRCh38, 1-based): chr3:147,410,426, G>C. VCF-style: chr3-147410426-G-C. GRCh37 (hg19) VCF-style: chr3-147128213-G-C.
Other names: short protein forms R105P.
Identifiers: ClinVar variation 1804744 (VCV001804744.1), dbSNP rs1013824701, ClinGen allele CA84580225.